The following is an entry in ClinVar:

NM_001145809.2(MYH14):c.5447G>A (p.Arg1816His)

Gene: MYH14 (myosin heavy chain 14; plus strand). Cytogenetic location: 19q13.33.
Variant type: single nucleotide variant.
Coding change: c.5447G>A on transcript NM_001145809.2 (MANE Select); coding-DNA position 5447, G replaced by A.
Protein change: p.Arg1816His; replaces arginine 1816 with histidine.
Molecular consequence: missense variant.
Genome position (GRCh38, 1-based): chr19:50,293,665, G>A. VCF-style: chr19-50293665-G-A. GRCh37 (hg19) VCF-style: chr19-50796922-G-A.
Other names: c.5348G>A, p.Arg1783His (NM_001077186.2); c.5324G>A, p.Arg1775His (NM_024729.4); c.5447G>A (NM_001145809.1); short protein forms R1816H, R1775H, R1783H.
Identifiers: ClinVar variation 329948 (VCV000329948.17), dbSNP rs201923258, ClinGen allele CA9593799.

ClinVar aggregate classification (germline): Benign/Likely benign. Review status: criteria provided, multiple submitters, no conflicts (2 of 4 stars). 4 submissions from 4 submitters: Benign (1); Likely benign (2). 1 of the submissions does not count toward it. Last evaluated 2025-10-08.

Conditions:
MYH14-related disorder. Also called: MYH14-related condition.
Autosomal dominant nonsyndromic hearing loss 4A. Also called: Deafness, autosomal dominant 4A. Identifiers: Orphanet 90635, MedGen C1833503, MONDO:0010915, OMIM 600652.

Allele frequency attached by ClinVar (database versions not stated): ESP Exome Variant Server 0.00008; gnomAD 0.00009 and 0.00010; gnomAD exomes 0.00010 and 0.00034; TOPMed 0.00020; ExAC 0.00038.
gnomAD v4.1: 161 of 1,588,630 alleles (0.01%); highest among the groups gnomAD compares: East Asian, 0.31%; no homozygotes.

Submissions (4):

Labcorp Genetics (formerly Invitae), Labcorp
Classification: Benign. Last evaluated: 2025-10-08. Review status: criteria provided, single submitter. Criteria: Invitae Variant Classification Sherloc (09022015). Collection method: clinical testing. Allele origin: germline.

GeneDx
Classification: Likely benign. Last evaluated: 2020-11-16. Review status: criteria provided, single submitter. Criteria: GeneDx Variant Classification Process June 2021. Collection method: clinical testing. Allele origin: germline. Affected: yes.
Comment: This variant is associated with the following publications: (PMID: 28861346, 28191911)

Illumina Laboratory Services, Illumina
Classification: Likely benign for Autosomal dominant nonsyndromic hearing loss 4A. Last evaluated: 2018-01-13. Review status: criteria provided, single submitter. Criteria: ICSL Variant Classification Criteria 13 December 2019. Collection method: clinical testing. Allele origin: germline.
Comment: This variant was observed in the ICSL laboratory as part of a predisposition screen in an ostensibly healthy population. It had not been previously curated by ICSL or reported in the Human Gene Mutation Database (HGMD: prior to June 1st, 2018), and was therefore a candidate for classification through an automated scoring system. Utilizing variant allele frequency, disease prevalence and penetrance estimates, and inheritance mode, an automated score was calculated to assess if this variant is too frequent to cause the disease. Based on the score and internal cut-off values, a variant classified as likely benign is not then subjected to further curation. The score for this variant resulted in a classification of likely benign for this disease.

PreventionGenetics, part of Exact Sciences
Classification: Likely benign for MYH14-related condition. Last evaluated: 2020-04-02. Review status: no assertion criteria provided. Collection method: clinical testing. Allele origin: germline. Not counted in ClinVar's aggregate classification.
Comment: This variant is classified as likely benign based on ACMG/AMP sequence variant interpretation guidelines (Richards et al. 2015 PMID: 25741868, with internal and published modifications).